The following is an entry in ClinVar:

NM_005120.3(MED12):c.3797G>T (p.Arg1266Leu)

Gene: MED12 (mediator complex subunit 12; plus strand). Cytogenetic location: Xq13.1.
Variant type: single nucleotide variant.
Coding change: c.3797G>T on transcript NM_005120.3 (MANE Select); coding-DNA position 3797, G replaced by T.
Protein change: p.Arg1266Leu; replaces arginine 1266 with leucine.
Molecular consequence: missense variant.
Genome position (GRCh38, 1-based): chrX:71,129,785, G>T. VCF-style: chrX-71129785-G-T. GRCh37 (hg19) VCF-style: chrX-70349635-G-T.
Other names: short protein forms R1266L.
Identifiers: ClinVar variation 3907721 (VCV003907721.1).

ClinVar aggregate classification (germline): Uncertain significance (1 of 4 stars; one submission).

Submission:

GeneDx
Classification: Uncertain significance. Last evaluated: 2024-12-31. Review status: criteria provided, single submitter. Criteria: GeneDx Variant Classification Process June 2021. Collection method: clinical testing. Allele origin: germline. Affected: yes.
Comment: Not observed at significant frequency in large population cohorts (gnomAD); In silico analysis indicates that this missense variant does not alter protein structure/function; Has not been previously published as pathogenic or benign to our knowledge